The following is an entry in ClinVar:

NM_000350.3(ABCA4):c.3940C>A (p.Pro1314Thr)

Gene: ABCA4 (ATP binding cassette subfamily A member 4; minus strand). Cytogenetic location: 1p22.1.
Variant type: single nucleotide variant.
Coding change: c.3940C>A on transcript NM_000350.3 (MANE Select); coding-DNA position 3940, C replaced by A.
Protein change: p.Pro1314Thr; replaces proline 1314 with threonine.
Molecular consequence: missense variant.
Genome position (GRCh38, 1-based): chr1:94,031,966, G>T on the plus strand (C>A on the coding strand, the complement: ABCA4 is on the minus strand). VCF-style: chr1-94031966-G-T. GRCh37 (hg19) VCF-style: chr1-94497522-G-T.
Other names: c.3718C>A, p.Pro1240Thr (NM_001425324.1); short protein forms P1314T, P1240T.
Identifiers: ClinVar variation 99248 (VCV000099248.6), dbSNP rs61754041, ClinGen allele CA227150.

ClinVar aggregate classification (germline): Uncertain significance. Review status: criteria provided, multiple submitters, no conflicts (2 of 4 stars). 3 submissions from 3 submitters: Uncertain significance (2). 1 of the submissions does not count toward it. Last evaluated 2022-08-12.

Allele frequency attached by ClinVar (database versions not stated): TOPMed 0.00001; ExAC 0.00002; gnomAD exomes 0.00002 and 0.00005; gnomAD 0.00004.
gnomAD v4.1: 72 of 1,613,996 alleles (0.0045%); highest among the groups gnomAD compares: African/African-American, 0.0067%; no homozygotes.

Submissions (3):

Labcorp Genetics (formerly Invitae), Labcorp
Classification: Uncertain significance. Last evaluated: 2022-08-12. Review status: criteria provided, single submitter. Criteria: Invitae Variant Classification Sherloc (09022015). Collection method: clinical testing. Allele origin: germline.
Comment: This sequence change replaces proline, which is neutral and non-polar, with threonine, which is neutral and polar, at codon 1314 of the ABCA4 protein (p.Pro1314Thr). This variant is present in population databases (rs61754041, gnomAD 0.008%). This variant has not been reported in the literature in individuals affected with ABCA4-related conditions. ClinVar contains an entry for this variant (Variation ID: 99248). Advanced modeling of protein sequence and biophysical properties (such as structural, functional, and spatial information, amino acid conservation, physicochemical variation, residue mobility, and thermodynamic stability) performed at Invitae indicates that this missense variant is not expected to disrupt ABCA4 protein function. In summary, the available evidence is currently insufficient to determine the role of this variant in disease. Therefore, it has been classified as a Variant of Uncertain Significance.

Blueprint Genetics
Classification: Uncertain significance. Last evaluated: 2022-07-19. Review status: criteria provided, single submitter. Criteria: ACMG Guidelines, 2015. Collection method: clinical testing. Allele origin: germline.

Retina International
No classification provided. Review status: no classification provided. Collection method: not provided. Allele origin: not provided. Not counted in ClinVar's aggregate classification.